The following is an entry in ClinVar:

ClinVar aggregate classification (germline): Uncertain significance (1 of 4 stars; one submission).

Submission:

GeneDx
Classification: Uncertain significance. Last evaluated: 2019-07-12. Review status: criteria provided, single submitter. Criteria: GeneDx Variant Classification Process June 2021. Collection method: clinical testing. Allele origin: germline. Affected: yes.
Comment: Not observed in large population cohorts (Lek et al., 2016); In silico analysis, which includes protein predictors and evolutionary conservation, supports that this variant does not alter protein structure/function; Has not been previously published as pathogenic or benign to our knowledge

NM_014141.6(CNTNAP2):c.1418C>G (p.Thr473Ser)

Gene: CNTNAP2 (contactin associated protein 2; plus strand). Cytogenetic location: 7q35.
Variant type: single nucleotide variant.
Coding change: c.1418C>G on transcript NM_014141.6 (MANE Select); coding-DNA position 1418, C replaced by G.
Protein change: p.Thr473Ser; replaces threonine 473 with serine.
Molecular consequence: missense variant.
Genome position (GRCh38, 1-based): chr7:147,300,210, C>G. VCF-style: chr7-147300210-C-G. GRCh37 (hg19) VCF-style: chr7-146997302-C-G.
Other names: short protein forms T473S.
Identifiers: ClinVar variation 1316939 (VCV001316939.2), dbSNP rs1340170810, ClinGen allele CA369925184.
Genomic context (GRCh38, chr7:147,300,210, plus strand): 5'-TGAATGATGGACAGTGGCACGAGGTTCGCTTCCTAGCCAAGGAAAATTTTGCTATTCTCA[C>G]CATCGATGGAGATGAAGCATCAGCAGTTCGAACTAATAGTCCCCTTCAAGTTAAAACTGG-3'
Protein context (NP_054860.1, residues 463-483): FLAKENFAIL[Thr473Ser]IDGDEASAVR